The following is an entry in ClinVar:

ClinVar aggregate classification (germline): Uncertain significance (1 of 4 stars; one submission).

Conditions:
Inborn genetic diseases. Identifiers: MedGen C0950123, MeSH D030342.

Submission:

Ambry Genetics
Classification: Uncertain significance for Inborn genetic diseases. Last evaluated: 2020-11-18. Review status: criteria provided, single submitter. Criteria: Ambry Variant Classification Scheme 2023. Collection method: clinical testing. Allele origin: germline.
Comment: The c.9760G>A (p.V3254I) alteration is located in exon 68 (coding exon 68) of the SZT2 gene. This alteration results from a G to A substitution at nucleotide position 9760, causing the valine (V) at amino acid position 3254 to be replaced by an isoleucine (I). Based on data from the Genome Aggregation Database (gnomAD), the SZT2 c.9760G>A alteration was not observed, with coverage at this position. This amino acid position is highly conserved in available vertebrate species. The p.V3254I alteration is predicted to be tolerated by in silico analysis. Based on insufficient or conflicting evidence, the clinical significance of this alteration remains unclear.

NM_001365999.1(SZT2):c.9931G>A (p.Val3311Ile)

Genes: SZT2 (SZT2 subunit of KICSTOR complex; plus strand), SZT2-AS1 (SZT2 antisense RNA 1; minus strand). Cytogenetic location: 1p34.2.
Variant type: single nucleotide variant.
Coding change: c.9931G>A on transcript NM_001365999.1 (MANE Select); coding-DNA position 9931, G replaced by A.
Protein change: p.Val3311Ile; replaces valine 3311 with isoleucine.
Molecular consequence: missense variant. On other transcripts: non-coding transcript variant (1).
Genome position (GRCh38, 1-based): chr1:43,448,446, G>A. VCF-style: chr1-43448446-G-A. GRCh37 (hg19) VCF-style: chr1-43914117-G-A.
Other names: c.9760G>A, p.Val3254Ile (NM_015284.4); c.1372G>A, p.Val458Ile (NM_024547.1); short protein forms V3254I, V3311I, V458I.
Identifiers: ClinVar variation 2227923 (VCV002227923.2), dbSNP rs1557606189, ClinGen allele CA340046046.